The following is an entry in ClinVar:

ClinVar aggregate classification (germline): Uncertain significance (1 of 4 stars; one submission).

Allele frequency attached by ClinVar (database versions not stated): gnomAD exomes 0.00001; ExAC 0.00001.
gnomAD v4.1: 4 of 1,613,416 alleles (0.00025%); highest among the groups gnomAD compares: Non-Finnish European, 0.00034%; no homozygotes.

Submission:

Labcorp Genetics (formerly Invitae), Labcorp
Classification: Uncertain significance. Last evaluated: 2022-06-27. Review status: criteria provided, single submitter. Criteria: Invitae Variant Classification Sherloc (09022015). Collection method: clinical testing. Allele origin: germline.
Comment: This sequence change affects codon 3528 of the USH2A mRNA. It is a 'silent' change, meaning that it does not change the encoded amino acid sequence of the USH2A protein. It affects a nucleotide within the consensus splice site. This variant is present in population databases (rs775566366, gnomAD 0.002%). This variant has not been reported in the literature in individuals affected with USH2A-related conditions. Algorithms developed to predict the effect of sequence changes on RNA splicing suggest that this variant is not likely to affect RNA splicing. In summary, the available evidence is currently insufficient to determine the role of this variant in disease. Therefore, it has been classified as a Variant of Uncertain Significance.

NM_206933.4(USH2A):c.10584T>C (p.Asn3528=)

Gene: USH2A (usherin; minus strand). Cytogenetic location: 1q41.
Variant type: single nucleotide variant.
Coding change: c.10584T>C on transcript NM_206933.4 (MANE Select); coding-DNA position 10584, T replaced by C.
Protein change: p.Asn3528=; no amino-acid change (asparagine 3528 retained).
Molecular consequence: synonymous variant.
Genome position (GRCh38, 1-based): chr1:215,782,739, A>G on the plus strand (T>C on the coding strand, the complement: USH2A is on the minus strand). VCF-style: chr1-215782739-A-G. GRCh37 (hg19) VCF-style: chr1-215956081-A-G.
Identifiers: ClinVar variation 1384763 (VCV001384763.3), dbSNP rs775566366, ClinGen allele CA1393987.